The following is an entry in ClinVar:

NM_000400.4(ERCC2):c.427C>T (p.Arg143Trp)

Gene: ERCC2 (ERCC excision repair 2, TFIIH core complex helicase subunit; minus strand). Cytogenetic location: 19q13.32.
Variant type: single nucleotide variant.
Coding change: c.427C>T on transcript NM_000400.4 (MANE Select); coding-DNA position 427, C replaced by T.
Protein change: p.Arg143Trp; replaces arginine 143 with tryptophan.
Molecular consequence: missense variant.
Genome position (GRCh38, 1-based): chr19:45,365,092, G>A on the plus strand (C>T on the coding strand, the complement: ERCC2 is on the minus strand). VCF-style: chr19-45365092-G-A. GRCh37 (hg19) VCF-style: chr19-45868350-G-A.
Other names: c.355C>T, p.Arg119Trp (NM_001130867.2); short protein forms R119W, R143W.
Identifiers: ClinVar variation 1441198 (VCV001441198.6), dbSNP rs765679315, ClinGen allele CA9513792.

ClinVar aggregate classification (germline): Uncertain significance. Review status: criteria provided, multiple submitters, no conflicts (2 of 4 stars). 2 submissions from 2 submitters: Uncertain significance (2). Last evaluated 2026-01-14.

Conditions:
Inborn genetic diseases. Identifiers: MedGen C0950123, MeSH D030342.

gnomAD v4.1: 11 of 1,613,974 alleles (0.00068%); highest among the groups gnomAD compares: East Asian, 0.0022%; no homozygotes.

Submissions (2):

Ambry Genetics
Classification: Uncertain significance for Inborn genetic diseases. Last evaluated: 2026-01-14. Review status: criteria provided, single submitter. Criteria: Ambry Variant Classification Scheme 2023. Collection method: clinical testing. Allele origin: germline.

Labcorp Genetics (formerly Invitae), Labcorp
Classification: Uncertain significance. Last evaluated: 2022-06-27. Review status: criteria provided, single submitter. Criteria: Invitae Variant Classification Sherloc (09022015). Collection method: clinical testing. Allele origin: germline.
Comment: This sequence change replaces arginine, which is basic and polar, with tryptophan, which is neutral and slightly polar, at codon 143 of the ERCC2 protein (p.Arg143Trp). The frequency data for this variant in the population databases is considered unreliable, as metrics indicate poor data quality at this position in the gnomAD database. This variant has not been reported in the literature in individuals affected with ERCC2-related conditions. Algorithms developed to predict the effect of missense changes on protein structure and function are either unavailable or do not agree on the potential impact of this missense change (SIFT: "Deleterious"; PolyPhen-2: "Possibly Damaging"; Align-GVGD: "Class C0"). In summary, the available evidence is currently insufficient to determine the role of this variant in disease. Therefore, it has been classified as a Variant of Uncertain Significance.